The following is an entry in ClinVar:

ClinVar aggregate classification (germline): Conflicting classifications of pathogenicity. Review status: criteria provided, conflicting classifications (1 of 4 stars). 7 submissions from 7 submitters: Pathogenic (1); Likely pathogenic (1); Uncertain significance (5). Last evaluated 2025-02-17.

Conditions:
Retinal dystrophy. Also called: Inherited retinal dystrophy. Identifiers: Orphanet 71862, MedGen C0854723, MeSH D058499, MONDO:0019118, HP:0000556.
Retinitis pigmentosa 19 (RP19). Also called: ABCA4-Related Retinitis Pigmentosa. Identifiers: Orphanet 791, MedGen C1866422, MONDO:0011137, OMIM 601718.
Cone-rod dystrophy. Also called: Cone-rod degeneration; Cone/cone-rod dystrophy. Identifiers: Orphanet 1872, MedGen C4085590, MONDO:0015993, HP:0000548.

Allele frequency attached by ClinVar (database versions not stated): TOPMed 0.00002; gnomAD exomes 0.00003 and 0.00005; gnomAD 0.00005; ExAC 0.00007; ESP Exome Variant Server 0.00008; 1000 Genomes Project 30x 0.00031; 1000 Genomes Project 0.00040.
gnomAD v4.1: 54 of 1,614,170 alleles (0.0033%); highest among the groups gnomAD compares: East Asian, 0.047%; no homozygotes.

Submissions (7):

Labcorp Genetics (formerly Invitae), Labcorp
Classification: Likely pathogenic. Last evaluated: 2025-02-17. Review status: criteria provided, single submitter. Criteria: Invitae Variant Classification Sherloc (09022015). Collection method: clinical testing. Allele origin: germline.
Comment: This sequence change replaces arginine, which is basic and polar, with histidine, which is basic and polar, at codon 255 of the ABCA4 protein (p.Arg255His). This variant is present in population databases (rs148387660, gnomAD 0.01%). This missense change has been observed in individual(s) with cone-rod dystrophy and/or Stargardt disease (PMID: 32531858; internal data). ClinVar contains an entry for this variant (Variation ID: 424903). Invitae Evidence Modeling of protein sequence and biophysical properties (such as structural, functional, and spatial information, amino acid conservation, physicochemical variation, residue mobility, and thermodynamic stability) indicates that this missense variant is not expected to disrupt ABCA4 protein function with a negative predictive value of 95%. This variant disrupts the p.Arg255 amino acid residue in ABCA4. Other variant(s) that disrupt this residue have been determined to be pathogenic (PMID: 12515255, 33090715). This suggests that this residue is clinically significant, and that variants that disrupt this residue are likely to be disease-causing. In summary, the currently available evidence indicates that the variant is pathogenic, but additional data are needed to prove that conclusively. Therefore, this variant has been classified as Likely Pathogenic.

Blueprint Genetics
Classification: Uncertain significance. Last evaluated: 2024-02-28. Review status: criteria provided, single submitter. Criteria: ACMG Guidelines, 2015. Collection method: clinical testing. Allele origin: germline.

GeneDx
Classification: Uncertain significance. Last evaluated: 2023-10-16. Review status: criteria provided, single submitter. Criteria: GeneDx Variant Classification Process June 2021. Collection method: clinical testing. Allele origin: germline. Affected: yes.
Comment: Identified in an adult with cone-rod dystrophy who also harbored a pathogenic variant in ABCA4, however, segregation information was not provided (Weisschuh et al., 2020); In silico analysis supports that this missense variant does not alter protein structure/function; This variant is associated with the following publications: (PMID: 32531858)

Dept Of Ophthalmology, Nagoya University
Classification: Uncertain significance for Retinal dystrophy. Last evaluated: 2023-10-01. Review status: criteria provided, single submitter. Criteria: Submitter's publication. Collection method: research. Allele origin: germline. Affected: yes.

3billion
Classification: Uncertain significance for Retinitis pigmentosa 19. Last evaluated: 2023-09-15. Review status: criteria provided, single submitter. Criteria: ACMG Guidelines, 2015. Collection method: clinical testing. Allele origin: germline. Affected: yes.
Comment: The variant is observed at an extremely low frequency in the gnomAD v2.1.1 dataset (total allele frequency: 0.005%). Predicted Consequence/Location: Missense variant Same nucleotide change resulting in same amino acid change has been previously reported to be associated with ABCA4 related disorder (ClinVar ID: VCV000424903). A different missense change at the same codon (p.Arg255Cys) has been reported to be associated with ABCA4 related disorder (ClinVar ID: VCV000143077 /PMID: 12515255 /3billion dataset). However, the evidence of pathogenicity is insufficient at this time. Therefore, this variant is classified as VUS according to the recommendation of ACMG/AMP guideline.

Molecular Genetics Laboratory, Institute for Ophthalmic Research
Classification: Pathogenic for Cone-rod dystrophy. Last evaluated: 2020-01-09. Review status: criteria provided, single submitter. Criteria: ACMG Guidelines, 2015. Collection method: research. Allele origin: germline. Affected: yes.

CeGaT Center for Human Genetics Tuebingen
Classification: Uncertain significance. Last evaluated: 2016-11-01. Review status: criteria provided, single submitter. Criteria: CeGaT Center For Human Genetics Tuebingen Variant Classification Criteria Version 2. Collection method: clinical testing. Allele origin: germline. Affected: yes. Observed: 1 variant allele.

Literature cited by the submitters: PubMed 32531858 (cited by Labcorp Genetics (formerly Invitae), Labcorp); PubMed 12515255 (cited by Labcorp Genetics (formerly Invitae), Labcorp and 3billion); PubMed 33090715 (cited by Labcorp Genetics (formerly Invitae), Labcorp).

NM_000350.3(ABCA4):c.764G>A (p.Arg255His)

Gene: ABCA4 (ATP binding cassette subfamily A member 4; minus strand). Cytogenetic location: 1p22.1.
Variant type: single nucleotide variant.
Coding change: c.764G>A on transcript NM_000350.3 (MANE Select); coding-DNA position 764, G replaced by A.
Protein change: p.Arg255His; replaces arginine 255 with histidine.
Molecular consequence: missense variant.
Genome position (GRCh38, 1-based): chr1:94,098,798, C>T on the plus strand (G>A on the coding strand, the complement: ABCA4 is on the minus strand). VCF-style: chr1-94098798-C-T. GRCh37 (hg19) VCF-style: chr1-94564354-C-T.
Other names: c.764G>A, p.Arg255His (NM_001425324.1); short protein forms R255H.
Identifiers: ClinVar variation 424903 (VCV000424903.55), dbSNP rs148387660, ClinGen allele CA958752.